The following is an entry in ClinVar:

NM_014915.3(ANKRD26):c.2197C>T (p.Leu733Phe)

Gene: ANKRD26 (ankyrin repeat domain containing 26; minus strand). Cytogenetic location: 10p12.1.
Variant type: single nucleotide variant.
Coding change: c.2197C>T on transcript NM_014915.3 (MANE Select); coding-DNA position 2197, C replaced by T.
Protein change: p.Leu733Phe; replaces leucine 733 with phenylalanine.
Molecular consequence: missense variant.
Genome position (GRCh38, 1-based): chr10:27,040,143, G>A on the plus strand (C>T on the coding strand, the complement: ANKRD26 is on the minus strand). VCF-style: chr10-27040143-G-A. GRCh37 (hg19) VCF-style: chr10-27329072-G-A.
Other names: c.2194C>T, p.Leu732Phe (NM_001256053.2); short protein forms L732F, L733F.
Identifiers: ClinVar variation 3766370 (VCV003766370.2).
Genomic context (GRCh38, chr10:27,040,143, plus strand): 5'-TTTTTACTGTAAGTAGTTCACAGTGATTTTTTTTAAGTTCTAATAATCTTTCACATGAAA[G>A]AGCTGCATCCTGGATTTTCAATAGGCTAACAGAATCTGTATCAGGAAGAAAACAAGATAG-3'
Protein context (NP_055730.2, residues 723-743): VSLLKIQDAA[Leu733Phe]SCERLLELKK

ClinVar aggregate classification (germline): Uncertain significance. Review status: criteria provided, multiple submitters, no conflicts (2 of 4 stars). 2 submissions from 2 submitters: Uncertain significance (2). Last evaluated 2025-04-11.

Conditions:
Inborn genetic diseases. Identifiers: MedGen C0950123, MeSH D030342.

Submissions (2):

Ambry Genetics
Classification: Uncertain significance for Inborn genetic diseases. Last evaluated: 2025-04-11. Review status: criteria provided, single submitter. Criteria: Ambry Variant Classification Scheme 2023. Collection method: clinical testing. Allele origin: germline.
Comment: The p.L733F variant (also known as c.2197C>T), located in coding exon 21 of the ANKRD26 gene, results from a C to T substitution at nucleotide position 2197. The leucine at codon 733 is replaced by phenylalanine, an amino acid with highly similar properties. This amino acid position is conserved. In addition, this alteration is predicted to be tolerated by in silico analysis. Based on the available evidence, the clinical significance of this variant remains unclear.

GeneDx
Classification: Uncertain significance. Last evaluated: 2024-08-27. Review status: criteria provided, single submitter. Criteria: GeneDx Variant Classification Process June 2021. Collection method: clinical testing. Allele origin: germline. Affected: yes.
Comment: Not observed at significant frequency in large population cohorts (gnomAD); In silico analysis indicates that this missense variant does not alter protein structure/function; Has not been previously published as pathogenic or benign to our knowledge